The following is an entry in ClinVar:

ClinVar aggregate classification (germline): Uncertain significance (1 of 4 stars; one submission).

Conditions:
Disseminated atypical mycobacterial infection. Identifiers: MedGen C0694566.

Allele frequency attached by ClinVar (database versions not stated): gnomAD 0.00001; gnomAD exomes 0.00001; TOPMed 0.00001.
gnomAD v4.1: 11 of 1,613,606 alleles (0.00068%); highest among the groups gnomAD compares: Non-Finnish European, 0.00085%; no homozygotes.

Submission:

Labcorp Genetics (formerly Invitae), Labcorp
Classification: Uncertain significance for Disseminated atypical mycobacterial infection. Last evaluated: 2022-10-16. Review status: criteria provided, single submitter. Criteria: Invitae Variant Classification Sherloc (09022015). Collection method: clinical testing. Allele origin: germline.
Comment: In summary, the available evidence is currently insufficient to determine the role of this variant in disease. Therefore, it has been classified as a Variant of Uncertain Significance. Advanced modeling of protein sequence and biophysical properties (such as structural, functional, and spatial information, amino acid conservation, physicochemical variation, residue mobility, and thermodynamic stability) performed at Invitae indicates that this missense variant is not expected to disrupt IFNGR1 protein function. ClinVar contains an entry for this variant (Variation ID: 845523). This variant has not been reported in the literature in individuals affected with IFNGR1-related conditions. This variant is present in population databases (no rsID available, gnomAD 0.002%). This sequence change replaces valine, which is neutral and non-polar, with isoleucine, which is neutral and non-polar, at codon 305 of the IFNGR1 protein (p.Val305Ile).

NM_000416.3(IFNGR1):c.913G>A (p.Val305Ile)

Gene: IFNGR1 (interferon gamma receptor 1; minus strand). Cytogenetic location: 6q23.3.
Variant type: single nucleotide variant.
Coding change: c.913G>A on transcript NM_000416.3 (MANE Select); coding-DNA position 913, G replaced by A.
Protein change: p.Val305Ile; replaces valine 305 with isoleucine.
Molecular consequence: missense variant.
Genome position (GRCh38, 1-based): chr6:137,198,588, C>T on the plus strand (G>A on the coding strand, the complement: IFNGR1 is on the minus strand). VCF-style: chr6-137198588-C-T. GRCh37 (hg19) VCF-style: chr6-137519725-C-T.
Other names: c.883G>A, p.Val295Ile (NM_001363526.1); c.790G>A, p.Val264Ile (NM_001363527.1); short protein forms V305I, V264I, V295I.
Identifiers: ClinVar variation 845523 (VCV000845523.11), dbSNP rs1356141512, ClinGen allele CA365773213.